The following is an entry in ClinVar:

ClinVar aggregate classification (germline): Pathogenic (1 of 4 stars; one submission).

Conditions:
MPI-congenital disorder of glycosylation. Also called: MPI DEFICIENCY; PROTEIN-LOSING ENTEROPATHY-HEPATIC FIBROSIS SYNDROME; MPI-CDG; MANNOSEPHOSPHATE ISOMERASE DEFICIENCY; CONGENITAL DISORDER OF GLYCOSYLATION, TYPE Ib; CDG Ib. Identifiers: Orphanet 79319, MedGen C1865145, MONDO:0011257, OMIM 602579.

Submission:

Labcorp Genetics (formerly Invitae), Labcorp
Classification: Pathogenic for MPI-congenital disorder of glycosylation. Last evaluated: 2021-07-25. Review status: criteria provided, single submitter. Criteria: Invitae Variant Classification Sherloc (09022015). Collection method: clinical testing. Allele origin: germline.
Comment: For these reasons, this variant has been classified as Pathogenic. This variant has not been reported in the literature in individuals affected with MPI-related conditions. This variant is not present in population databases (ExAC no frequency). This sequence change creates a premature translational stop signal (p.Ile249Asnfs*56) in the MPI gene. It is expected to result in an absent or disrupted protein product. Loss-of-function variants in MPI are known to be pathogenic (PMID: 19862844).

Literature cited by the submitters: PubMed 19862844.

NM_002435.3(MPI):c.745dup (p.Ile249fs)

Gene: MPI (mannose phosphate isomerase; plus strand). Cytogenetic location: 15q24.1.
Variant type: Duplication.
Coding change: c.745dup on transcript NM_002435.3 (MANE Select); coding-DNA position 745, one base duplicated (A; older notation c.745dupA).
Protein change: p.Ile249fs; shifts the reading frame from isoleucine 249.
Molecular consequence: frameshift variant.
Genome position (GRCh38, 1-based): chr15:74,896,226, A duplicated. VCF-style (leftmost placement, unchanged base first): chr15-74896225-T-TA. GRCh37 (hg19) VCF-style: chr15-75188566-T-TA.
Other names: c.745dup, p.Ile249fs (NM_001289155.2); c.595dup, p.Ile199fs (NM_001289156.2); c.562dup, p.Ile188fs (NM_001289157.2); c.685dup, p.Ile229fs (NM_001330372.2); short protein forms I188fs, I199fs, I229fs, I249fs.
Identifiers: ClinVar variation 1444990 (VCV001444990.6), dbSNP rs2141206676, ClinGen allele CA2573151156.